The following is an entry in ClinVar:

ClinVar aggregate classification (germline): Uncertain significance (1 of 4 stars; one submission).

Submission:

Labcorp Genetics (formerly Invitae), Labcorp
Classification: Uncertain significance. Last evaluated: 2023-06-14. Review status: criteria provided, single submitter. Criteria: Invitae Variant Classification Sherloc (09022015). Collection method: clinical testing. Allele origin: germline.
Comment: In summary, the available evidence is currently insufficient to determine the role of this variant in disease. Therefore, it has been classified as a Variant of Uncertain Significance. Experimental studies and prediction algorithms are not available or were not evaluated, and the functional significance of this variant is currently unknown. This variant has not been reported in the literature in individuals affected with DMXL2-related conditions. This variant results in a copy number gain of the genomic region encompassing exon(s) 18-43 of the DMXL2 gene. This region includes the termination codon of the gene. This copy number gain extends beyond the assayed region for this gene and therefore may encompass additional genes. As the precise location of this event is unknown, it may be in tandem or it may be located elsewhere in the genome.

NC_000015.9:g.(?_51741181)_(51792448_?)dup

Gene: DMXL2 (Dmx like 2; minus strand). Cytogenetic location: 15q21.2.
Variant type: Duplication.
Identifiers: ClinVar variation 2423934 (VCV002423934.4).